The following is an entry in ClinVar:

NM_000334.4(SCN4A):c.1543G>T (p.Gly515Trp)

Gene: SCN4A (sodium voltage-gated channel alpha subunit 4; minus strand). Cytogenetic location: 17q23.3.
Variant type: single nucleotide variant.
Coding change: c.1543G>T on transcript NM_000334.4 (MANE Select); coding-DNA position 1543, G replaced by T.
Protein change: p.Gly515Trp; replaces glycine 515 with tryptophan.
Molecular consequence: missense variant.
Genome position (GRCh38, 1-based): chr17:63,963,735, C>A on the plus strand (G>T on the coding strand, the complement: SCN4A is on the minus strand). VCF-style: chr17-63963735-C-A. GRCh37 (hg19) VCF-style: chr17-62041095-C-A.
Other names: short protein forms G515W.
Identifiers: ClinVar variation 1942897 (VCV001942897.7), dbSNP rs1003243368, ClinGen allele CA400634537.
Genomic context (GRCh38, chr17:63,963,735, plus strand): 5'-CCATGGCGTCGGAGATGCCGCTGTCTCCGCTGCTGCTCTGCCTCGGGGCTCCCTTCTCCC[C>A]TTGCGATGTGTCCAGGCTGCCATTGCAGTCTTTGCCATGGGCTGGGTCCCCATCTGCCTC-3'
Protein context (NP_000325.4, residues 505-525): DCNGSLDTSQ[Gly515Trp]EKGAPRQSSS

ClinVar aggregate classification (germline): Uncertain significance. Review status: criteria provided, multiple submitters, no conflicts (2 of 4 stars). 2 submissions from 2 submitters: Uncertain significance (2). Last evaluated 2023-07-11.

Conditions:
Hyperkalemic periodic paralysis. Also called: Familial hyperkalemic periodic paralysis; Gamstorp disease. Identifiers: Orphanet 682, MedGen C0238357, MONDO:0008224, OMIM 170500, HP:0007215.

Submissions (2):

Revvity Omics, Revvity
Classification: Uncertain significance. Last evaluated: 2023-07-11. Review status: criteria provided, single submitter. Criteria: ACMG Guidelines, 2015. Collection method: clinical testing. Allele origin: germline.

Labcorp Genetics (formerly Invitae), Labcorp
Classification: Uncertain significance for Hyperkalemic periodic paralysis. Last evaluated: 2022-08-20. Review status: criteria provided, single submitter. Criteria: Invitae Variant Classification Sherloc (09022015). Collection method: clinical testing. Allele origin: germline.
Comment: In summary, the available evidence is currently insufficient to determine the role of this variant in disease. Therefore, it has been classified as a Variant of Uncertain Significance. Algorithms developed to predict the effect of missense changes on protein structure and function (SIFT, PolyPhen-2, Align-GVGD) all suggest that this variant is likely to be disruptive. This variant has not been reported in the literature in individuals affected with SCN4A-related conditions. This variant is not present in population databases (gnomAD no frequency). This sequence change replaces glycine, which is neutral and non-polar, with tryptophan, which is neutral and slightly polar, at codon 515 of the SCN4A protein (p.Gly515Trp).